The following is an entry in ClinVar:

ClinVar aggregate classification (germline): Conflicting classifications of pathogenicity. Review status: criteria provided, conflicting classifications (1 of 4 stars). 3 submissions from 3 submitters: Likely pathogenic (1); Uncertain significance (1). 1 of the submissions does not count toward it. Last evaluated 2025-12-29.

Conditions:
Noonan syndrome 8 (NS8). Identifiers: Orphanet 648, MedGen C3809233, MONDO:0014143, OMIM 615355.
Noonan syndrome (NS). Also called: Noonan's syndrome. Identifiers: Orphanet 648, MedGen C0028326, MeSH D009634, MONDO:0018997. Disease mechanism: gain of function.

Submissions (3):

3billion
Classification: Uncertain significance for Noonan syndrome 8. Last evaluated: 2025-12-29. Review status: criteria provided, single submitter. Criteria: ACMG Guidelines, 2015. Collection method: clinical testing. Allele origin: germline. Affected: yes.
Comment: The variant is not observed in the gnomAD v4.1.0 dataset. Predicted Consequence/Location: Missense variant In silico tool predictions suggest damaging effect of the variant on gene or gene product [REVEL: 0.80 (>=0.6, sensitivity 0.68 and specificity 0.92); 3Cnet: 0.83 (> 0.75, sensitivity 0.96 and precision 0.92)]. The same nucleotide change resulting in the same amino acid change has been previously reported to be associated with RIT1-related disorder (ClinVar ID: VCV000981601). However, the evidence of pathogenicity is insufficient at this time. Different missense changes at the same codon (p.Thr38Ala, p.Thr38Ser) have been reported to be associated with RIT1-related disorder (ClinVar ID: VCV001053927 /3billion dataset). Therefore, this variant is classified as VUS according to the recommendation of ACMG/AMP guideline.

Labcorp Genetics (formerly Invitae), Labcorp
Classification: Likely pathogenic for Noonan syndrome 8. Last evaluated: 2022-03-18. Review status: criteria provided, single submitter. Criteria: Invitae Variant Classification Sherloc (09022015). Collection method: clinical testing. Allele origin: germline.
Comment: This sequence change replaces threonine, which is neutral and polar, with asparagine, which is neutral and polar, at codon 38 of the RIT1 protein (p.Thr38Asn). This variant is not present in population databases (gnomAD no frequency). This variant has not been reported in the literature in individuals affected with RIT1-related conditions. ClinVar contains an entry for this variant (Variation ID: 981601). Advanced modeling of protein sequence and biophysical properties (such as structural, functional, and spatial information, amino acid conservation, physicochemical variation, residue mobility, and thermodynamic stability) performed at Invitae indicates that this missense variant is expected to disrupt RIT1 protein function. This variant disrupts the p.Thr38 amino acid residue in RIT1. Other variant(s) that disrupt this residue have been determined to be pathogenic (Invitae). This suggests that this residue is clinically significant, and that variants that disrupt this residue are likely to be disease-causing. In summary, the currently available evidence indicates that the variant is pathogenic, but additional data are needed to prove that conclusively. Therefore, this variant has been classified as Likely Pathogenic.

Service de Génétique Moléculaire, Hôpital Robert Debré
Classification: Uncertain significance for Noonan syndrome. Review status: no assertion criteria provided. Collection method: clinical testing. Allele origin: unknown. Affected: yes. Not counted in ClinVar's aggregate classification.

Literature cited by the submitters: PubMed 29493581 (cited by 3billion).

NM_006912.6(RIT1):c.113C>A (p.Thr38Asn)

Gene: RIT1 (Ras like without CAAX 1; minus strand). Cytogenetic location: 1q22.
Variant type: single nucleotide variant.
Coding change: c.113C>A on transcript NM_006912.6 (MANE Select); coding-DNA position 113, C replaced by A.
Protein change: p.Thr38Asn; replaces threonine 38 with asparagine.
Molecular consequence: missense variant.
Genome position (GRCh38, 1-based): chr1:155,910,500, G>T on the plus strand (C>A on the coding strand, the complement: RIT1 is on the minus strand). VCF-style: chr1-155910500-G-T. GRCh37 (hg19) VCF-style: chr1-155880291-G-T.
Other names: c.5C>A, p.Thr2Asn (NM_001256820.2); c.164C>A, p.Thr55Asn (NM_001256821.2); short protein forms T2N, T38N, T55N.
Identifiers: ClinVar variation 981601 (VCV000981601.6), dbSNP rs2102590960, ClinGen allele CA342776093.